The following is an entry in ClinVar:

ClinVar aggregate classification (germline): Uncertain significance. Review status: criteria provided, multiple submitters, no conflicts (2 of 4 stars). 2 submissions from 2 submitters: Uncertain significance (2). Last evaluated 2022-07-12.

Conditions:
Epidermodysplasia verruciformis. Identifiers: Orphanet 302, MedGen C0014522, MONDO:0009176.

Submissions (2):

Labcorp Genetics (formerly Invitae), Labcorp
Classification: Uncertain significance for Epidermodysplasia verruciformis. Last evaluated: 2022-07-12. Review status: criteria provided, single submitter. Criteria: Invitae Variant Classification Sherloc (09022015). Collection method: clinical testing. Allele origin: germline.
Comment: In summary, the available evidence is currently insufficient to determine the role of this variant in disease. Therefore, it has been classified as a Variant of Uncertain Significance. Algorithms developed to predict the effect of missense changes on protein structure and function are either unavailable or do not agree on the potential impact of this missense change (SIFT: "Not Available"; PolyPhen-2: "Benign"; Align-GVGD: "Not Available"). This variant has not been reported in the literature in individuals affected with TMC6-related conditions. This variant is not present in population databases (gnomAD no frequency). This sequence change replaces glutamic acid, which is acidic and polar, with glycine, which is neutral and non-polar, at codon 414 of the TMC6 protein (p.Glu414Gly).

Blueprint Genetics
Classification: Uncertain significance. Last evaluated: 2020-10-30. Review status: criteria provided, single submitter. Criteria: ACMG Guidelines, 2015. Collection method: clinical testing. Allele origin: germline.

NM_001127198.5(TMC6):c.1241A>G (p.Glu414Gly)

Gene: TMC6 (transmembrane channel like 6; minus strand). Cytogenetic location: 17q25.3.
Variant type: single nucleotide variant.
Coding change: c.1241A>G on transcript NM_001127198.5 (MANE Select); coding-DNA position 1241, A replaced by G.
Protein change: p.Glu414Gly; replaces glutamic acid 414 with glycine.
Molecular consequence: missense variant. On other transcripts: non-coding transcript variant (4).
Genome position (GRCh38, 1-based): chr17:78,121,698, T>C on the plus strand (A>G on the coding strand, the complement: TMC6 is on the minus strand). VCF-style: chr17-78121698-T-C. GRCh37 (hg19) VCF-style: chr17-76117779-T-C.
Other names: c.1241A>G, p.Glu414Gly (NM_001321185.1, NM_001374593.1, NM_001374594.1 and 4 more transcripts); short protein forms E414G.
Identifiers: ClinVar variation 2070195 (VCV002070195.5), dbSNP rs1386164382, ClinGen allele CA401230227.